The following is an entry in ClinVar:

ClinVar aggregate classification (germline): Uncertain significance. Review status: criteria provided, multiple submitters, no conflicts (2 of 4 stars). 2 submissions from 2 submitters: Uncertain significance (2). Last evaluated 2021-12-02.

Conditions:
Intellectual disability, autosomal recessive 42 (NEDDSBA). Also called: Neurodevelopmental disorder with dysmorphic features, spasticity, and brain abnormalities; GLYCOSYLPHOSPHATIDYLINOSITOL BIOSYNTHESIS DEFECT 9. Identifiers: Orphanet 88616, MedGen C4014343, MONDO:0014348, OMIM 615802.

Allele frequency attached by ClinVar (database versions not stated): gnomAD exomes 0.00003.
gnomAD v4.1: 35 of 1,491,498 alleles (0.0023%); highest among the groups gnomAD compares: Non-Finnish European, 0.0032%; no homozygotes.

Submissions (2):

Labcorp Genetics (formerly Invitae), Labcorp
Classification: Uncertain significance for Intellectual disability, autosomal recessive 42. Last evaluated: 2021-12-02. Review status: criteria provided, single submitter. Criteria: Invitae Variant Classification Sherloc (09022015). Collection method: clinical testing. Allele origin: germline.
Comment: This sequence change replaces tryptophan, which is neutral and slightly polar, with arginine, which is basic and polar, at codon 357 of the PGAP1 protein (p.Trp357Arg). This variant is not present in population databases (gnomAD no frequency). This variant has not been reported in the literature in individuals affected with PGAP1-related conditions. ClinVar contains an entry for this variant (Variation ID: 689776). Algorithms developed to predict the effect of missense changes on protein structure and function are either unavailable or do not agree on the potential impact of this missense change (SIFT: "Deleterious"; PolyPhen-2: "Benign"; Align-GVGD: "Class C15"). In summary, the available evidence is currently insufficient to determine the role of this variant in disease. Therefore, it has been classified as a Variant of Uncertain Significance.

Baylor Genetics
Classification: Uncertain significance for Intellectual disability, autosomal recessive 42. Last evaluated: 2017-12-31. Review status: criteria provided, single submitter. Criteria: ACMG Guidelines, 2015. Collection method: clinical testing. Allele origin: germline. Affected: yes.

NM_024989.4(PGAP1):c.1069T>C (p.Trp357Arg)

Gene: PGAP1 (post-GPI attachment to proteins inositol deacylase 1; minus strand). Cytogenetic location: 2q33.1.
Variant type: single nucleotide variant.
Coding change: c.1069T>C on transcript NM_024989.4 (MANE Select); coding-DNA position 1069, T replaced by C.
Protein change: p.Trp357Arg; replaces tryptophan 357 with arginine.
Molecular consequence: missense variant. On other transcripts: intron variant (1).
Genome position (GRCh38, 1-based): chr2:196,892,366, A>G on the plus strand (T>C on the coding strand, the complement: PGAP1 is on the minus strand). VCF-style: chr2-196892366-A-G. GRCh37 (hg19) VCF-style: chr2-197757090-A-G.
Other names: c.547T>C, p.Trp183Arg (NM_001321099.2); c.-79+774T>C (NM_001321100.2); short protein forms W183R, W357R.
Identifiers: ClinVar variation 689776 (VCV000689776.6), dbSNP rs747024084, ClinGen allele CA62793687.
Genomic context (GRCh38, chr2:196,892,366, plus strand): 5'-GGAAAAAACATGAAAAAAAATCCATTGGTGGAATACTTACGTTGTAAGCTACATAGGTCC[A>G]TTTGGACACTTTTACTAGAACCCACATAGATGTCCCTGAAGGTAAAGGAAATTAATTTAT-3'
Protein context (NP_079265.2, residues 347-367): SMWVLVKVSK[Trp357Arg]TYVAYNESEK